The following is an entry in ClinVar:

NM_172364.5(CACNA2D4):c.578C>T (p.Ala193Val)

Gene: CACNA2D4 (calcium voltage-gated channel auxiliary subunit alpha2delta 4; minus strand). Cytogenetic location: 12p13.33.
Variant type: single nucleotide variant.
Coding change: c.578C>T on transcript NM_172364.5 (MANE Select); coding-DNA position 578, C replaced by T.
Protein change: p.Ala193Val; replaces alanine 193 with valine.
Molecular consequence: missense variant.
Genome position (GRCh38, 1-based): chr12:1,907,946, G>A on the plus strand (C>T on the coding strand, the complement: CACNA2D4 is on the minus strand). VCF-style: chr12-1907946-G-A. GRCh37 (hg19) VCF-style: chr12-2017112-G-A.
Other names: short protein forms A193V.
Identifiers: ClinVar variation 4704636 (VCV004704636.1).

ClinVar aggregate classification (germline): Uncertain significance (1 of 4 stars; one submission).

gnomAD v4.1: 1 of 1,613,956 alleles (0.000062%); highest among the groups gnomAD compares: East Asian, 0.0022%; no homozygotes.

Submission:

Labcorp Genetics (formerly Invitae), Labcorp
Classification: Uncertain significance. Last evaluated: 2025-12-03. Review status: criteria provided, single submitter. Criteria: Invitae Variant Classification Sherloc (09022015). Collection method: clinical testing. Allele origin: germline.
Comment: This sequence change replaces alanine, which is neutral and non-polar, with valine, which is neutral and non-polar, at codon 193 of the CACNA2D4 protein (p.Ala193Val). This variant is present in population databases (no rsID available, gnomAD 0.06%). This variant has not been reported in the literature in individuals affected with CACNA2D4-related conditions. An algorithm developed to predict the effect of missense changes on protein structure and function (PolyPhen-2) suggests that this variant is likely to be tolerated. In summary, the available evidence is currently insufficient to determine the role of this variant in disease. Therefore, it has been classified as a Variant of Uncertain Significance.